The following is an entry in ClinVar:

NM_006269.2(RP1):c.4511T>C (p.Leu1504Ser)

Gene: RP1 (RP1 axonemal microtubule associated; plus strand). Cytogenetic location: 8q12.1.
Variant type: single nucleotide variant.
Coding change: c.4511T>C on transcript NM_006269.2 (MANE Select); coding-DNA position 4511, T replaced by C.
Protein change: p.Leu1504Ser; replaces leucine 1504 with serine.
Molecular consequence: missense variant. On other transcripts: intron variant (1).
Genome position (GRCh38, 1-based): chr8:54,628,393, T>C. VCF-style: chr8-54628393-T-C. GRCh37 (hg19) VCF-style: chr8-55540953-T-C.
Other names: c.787+6105T>C (NM_001375654.1); short protein forms L1504S.
Identifiers: ClinVar variation 789768 (VCV000789768.14), dbSNP rs138106612, ClinGen allele CA4751890.

ClinVar aggregate classification (germline): Conflicting classifications of pathogenicity. Review status: criteria provided, conflicting classifications (1 of 4 stars). 5 submissions from 5 submitters: Uncertain significance (1); Benign (2); Likely benign (1). 1 of the submissions does not count toward it. Last evaluated 2026-01-12.

Conditions:
RP1-related disorder. Also called: RP1-related condition.

Allele frequency attached by ClinVar (database versions not stated): gnomAD exomes 0.00016 and 0.00030; ExAC 0.00034; gnomAD 0.00118 and 0.00127; 1000 Genomes Project 0.00120; 1000 Genomes Project 30x 0.00125; ESP Exome Variant Server 0.00131; TOPMed 0.00133.
gnomAD v4.1: 413 of 1,613,520 alleles (0.026%); highest among the groups gnomAD compares: African/African-American, 0.44%; 2 homozygotes.

Submissions (5):

Labcorp Genetics (formerly Invitae), Labcorp
Classification: Benign. Last evaluated: 2026-01-12. Review status: criteria provided, single submitter. Criteria: Invitae Variant Classification Sherloc (09022015). Collection method: clinical testing. Allele origin: germline.

Blueprint Genetics
Classification: Likely benign. Last evaluated: 2024-10-18. Review status: criteria provided, single submitter. Criteria: ACMG Guidelines, 2015. Collection method: clinical testing. Allele origin: germline.

GeneDx
Classification: Uncertain significance. Last evaluated: 2024-06-07. Review status: criteria provided, single submitter. Criteria: GeneDx Variant Classification Process June 2021. Collection method: clinical testing. Allele origin: germline. Affected: yes.
Comment: In silico analysis indicates that this missense variant does not alter protein structure/function; Has not been previously published as pathogenic or benign to our knowledge

Breakthrough Genomics
Classification: Benign. Review status: criteria provided, single submitter. Criteria: ACMG Guidelines, 2015. Collection method: not provided. Allele origin: germline. Inheritance: Autosomal dominant inheritance. Affected: yes.

PreventionGenetics, part of Exact Sciences
Classification: Likely benign for RP1-related condition. Last evaluated: 2024-08-27. Review status: no assertion criteria provided. Collection method: clinical testing. Allele origin: germline. Not counted in ClinVar's aggregate classification.
Comment: This variant is classified as likely benign based on ACMG/AMP sequence variant interpretation guidelines (Richards et al. 2015 PMID: 25741868, with internal and published modifications).